The following is an entry in ClinVar:

ClinVar aggregate classification (germline): Uncertain significance (1 of 4 stars; one submission).

Conditions:
DiGeorge syndrome. Also called: THIRD AND FOURTH PHARYNGEAL POUCH SYNDROME; Catch22. Identifiers: Orphanet 567, MedGen C0012236, MONDO:0008564, OMIM 188400.

Allele frequency attached by ClinVar (database versions not stated): gnomAD exomes 0.00001.
gnomAD v4.1: 18 of 1,579,212 alleles (0.0011%); highest among the groups gnomAD compares: Non-Finnish European, 0.0015%; no homozygotes.

Submission:

Labcorp Genetics (formerly Invitae), Labcorp
Classification: Uncertain significance for DiGeorge syndrome. Last evaluated: 2026-01-18. Review status: criteria provided, single submitter. Criteria: Invitae Variant Classification Sherloc (09022015). Collection method: clinical testing. Allele origin: germline.
Comment: This sequence change replaces tyrosine, which is neutral and polar, with asparagine, which is neutral and polar, at codon 492 of the TBX1 protein (p.Tyr492Asn). This variant is present in population databases (no rsID available, gnomAD 0.001%). This variant has not been reported in the literature in individuals affected with TBX1-related conditions. ClinVar contains an entry for this variant (Variation ID: 2704811). An algorithm developed to predict the effect of missense changes on protein structure and function (PolyPhen-2) suggests that this variant is likely to be disruptive. In summary, the available evidence is currently insufficient to determine the role of this variant in disease. Therefore, it has been classified as a Variant of Uncertain Significance.

NM_001379200.1(TBX1):c.1501T>A (p.Tyr501Asn)

Gene: TBX1 (T-box transcription factor 1; plus strand). Cytogenetic location: 22q11.21.
Variant type: single nucleotide variant.
Coding change: c.1501T>A on transcript NM_001379200.1 (MANE Select); coding-DNA position 1501, T replaced by A.
Protein change: p.Tyr501Asn; replaces tyrosine 501 with asparagine.
Molecular consequence: missense variant. On other transcripts: intron variant (2).
Genome position (GRCh38, 1-based): chr22:19,766,853, T>A. VCF-style: chr22-19766853-T-A. GRCh37 (hg19) VCF-style: chr22-19754376-T-A.
Other names: c.1474T>A, p.Tyr492Asn (NM_080647.1); c.1009+851T>A (NM_005992.1, NM_080646.2); short protein forms Y501N, Y492N.
Identifiers: ClinVar variation 2704811 (VCV002704811.3), dbSNP rs1044127370, ClinGen allele CA322059161.